The following is an entry in ClinVar:

NM_001267550.2(TTN):c.50857+2T>G

Genes: TTN (titin; minus strand), TTN-AS1 (TTN antisense RNA 1; plus strand). Cytogenetic location: 2q31.2.
Variant type: single nucleotide variant.
Coding change: c.50857+2T>G on transcript NM_001267550.2 (MANE Select); the canonical splice donor site of the intron after coding-DNA position 50857, T replaced by G.
Molecular consequence: splice donor variant.
Genome position (GRCh38, 1-based): chr2:178,611,370, A>C on the plus strand (T>G on the coding strand, the complement: TTN is on the minus strand). VCF-style: chr2-178611370-A-C. GRCh37 (hg19) VCF-style: chr2-179476097-A-C.
Other names: c.23662+2T>G (NM_003319.4); c.24238+2T>G (NM_133437.4); c.24037+2T>G (NM_133432.3); c.43153+2T>G (NM_133378.4); c.45934+2T>G (NM_001256850.1).
Identifiers: ClinVar variation 4784240 (VCV004784240.1).

ClinVar aggregate classification (germline): Likely pathogenic (1 of 4 stars; one submission).

Conditions:
Dilated cardiomyopathy 1G (CMD1G). Identifiers: Orphanet 154, MedGen C1858763, MONDO:0011400, OMIM 604145.
Autosomal recessive limb-girdle muscular dystrophy type 2J (LGMDR10). Also called: Limb-girdle muscular dystrophy, type 2J; MUSCULAR DYSTROPHY, LIMB-GIRDLE, AUTOSOMAL RECESSIVE 10. Identifiers: Orphanet 140922, MedGen C1837342, MONDO:0012127, OMIM 608807.

Submission:

Labcorp Genetics (formerly Invitae), Labcorp
Classification: Likely pathogenic for Dilated cardiomyopathy 1G; Autosomal recessive limb-girdle muscular dystrophy type 2J. Last evaluated: 2025-09-27. Review status: criteria provided, single submitter. Criteria: Invitae Variant Classification Sherloc (09022015). Collection method: clinical testing. Allele origin: germline.
Comment: This sequence change affects a donor splice site in intron 269 of the TTN gene. It is expected to disrupt RNA splicing and likely results in a truncated or disrupted TTN protein. This variant is not present in population databases (gnomAD no frequency). This variant has not been reported in the literature in individuals affected with TTN-related conditions. Algorithms developed to predict the effect of sequence changes on RNA splicing suggest that this variant may disrupt the consensus splice site. This variant is located in the A band of TTN (PMID: 25589632). Truncating variants in this region are significantly overrepresented in patients affected with dilated cardiomyopathy (PMID: 25589632). Truncating variants in this region have also been reported in individuals affected with autosomal recessive centronuclear myopathy (PMID: 23975875). In summary, the currently available evidence indicates that the variant is pathogenic, but additional data are needed to prove that conclusively. Therefore, this variant has been classified as Likely Pathogenic.

Literature cited by the submitters: PubMed 25589632; PubMed 23975875.